The following is an entry in ClinVar:

ClinVar aggregate classification (germline): Uncertain significance (1 of 4 stars; one submission).

gnomAD v4.1: 2 of 1,488,872 alleles (0.00013%); highest among the groups gnomAD compares: African/African-American, 0.0014%; no homozygotes.

Submission:

GeneDx
Classification: Uncertain significance. Last evaluated: 2023-12-15. Review status: criteria provided, single submitter. Criteria: GeneDx Variant Classification Process June 2021. Collection method: clinical testing. Allele origin: germline. Affected: yes.
Comment: Not observed at significant frequency in large population cohorts (gnomAD); In silico analysis is inconclusive as to whether the variant alters gene splicing. In the absence of RNA/functional studies, the actual effect of this sequence change is unknown.; Has not been previously published as pathogenic or benign to our knowledge

NM_001330288.2(SMARCC2):c.3232+3A>G

Gene: SMARCC2 (SWI/SNF related BAF chromatin remodeling complex subunit C2; minus strand). Cytogenetic location: 12q13.2.
Variant type: single nucleotide variant.
Coding change: c.3232+3A>G on transcript NM_001330288.2 (MANE Select); 3 bases into the intron after coding-DNA position 3232, A replaced by G.
Molecular consequence: intron variant.
Genome position (GRCh38, 1-based): chr12:56,165,315, T>C on the plus strand (A>G on the coding strand, the complement: SMARCC2 is on the minus strand). VCF-style: chr12-56165315-T-C. GRCh37 (hg19) VCF-style: chr12-56559099-T-C.
Other names: c.3139+3A>G (NM_003075.5); c.3232+3A>G (NM_139067.4, NM_001130420.3).
Identifiers: ClinVar variation 3365646 (VCV003365646.1).
Genomic context (GRCh38, chr12:56,165,315, plus strand): 5'-GGAGAACTGGGACATTCACCTGGATTCCTCTAGCCAACAAAAGTTCTGGAACATAACACT[T>C]ACCATGGGGTCCAGGGGGGGGAACCCCTGGTGGGACTGCCCCAGGCTGGGGGGCTCCAGC-3'